The following is an entry in ClinVar:

NM_001458.5(FLNC):c.5742C>G (p.Cys1914Trp)

Genes: FLNC (filamin C; plus strand), FLNC-AS1 (FLNC antisense RNA 1; minus strand). Cytogenetic location: 7q32.1.
Variant type: single nucleotide variant.
Coding change: c.5742C>G on transcript NM_001458.5 (MANE Select); coding-DNA position 5742, C replaced by G.
Protein change: p.Cys1914Trp; replaces cysteine 1914 with tryptophan.
Molecular consequence: missense variant.
Genome position (GRCh38, 1-based): chr7:128,851,528, C>G. VCF-style: chr7-128851528-C-G. GRCh37 (hg19) VCF-style: chr7-128491582-C-G.
Other names: c.5643C>G, p.Cys1881Trp (NM_001127487.2); short protein forms C1881W, C1914W.
Identifiers: ClinVar variation 1315389 (VCV001315389.2), dbSNP rs1808812204, ClinGen allele CA369208261.

ClinVar aggregate classification (germline): Uncertain significance (1 of 4 stars; one submission).

Submission:

GeneDx
Classification: Uncertain significance. Last evaluated: 2020-10-31. Review status: criteria provided, single submitter. Criteria: GeneDx Variant Classification Process June 2021. Collection method: clinical testing. Allele origin: germline. Affected: yes.
Comment: Has not been previously published as pathogenic or benign to our knowledge; Not observed in large population cohorts (Lek et al., 2016); In silico analysis supports that this missense variant has a deleterious effect on protein structure/function